The following is an entry in ClinVar:

NM_020632.3(ATP6V0A4):c.1557G>A (p.Pro519=)

Gene: ATP6V0A4 (ATPase H+ transporting V0 subunit a4; minus strand). Cytogenetic location: 7q34.
Variant type: single nucleotide variant.
Coding change: c.1557G>A on transcript NM_020632.3 (MANE Select); coding-DNA position 1557, G replaced by A.
Protein change: p.Pro519=; no amino-acid change (proline 519 retained).
Molecular consequence: synonymous variant.
Genome position (GRCh38, 1-based): chr7:138,739,555, C>T on the plus strand (G>A on the coding strand, the complement: ATP6V0A4 is on the minus strand). VCF-style: chr7-138739555-C-T. GRCh37 (hg19) VCF-style: chr7-138424300-C-T.
Other names: c.1557G>A, p.Pro519= (NM_130840.3, NM_130841.3).
Identifiers: ClinVar variation 773499 (VCV000773499.18), dbSNP rs74921348, ClinGen allele CA4504735.

ClinVar aggregate classification (germline): Benign/Likely benign. Review status: criteria provided, multiple submitters, no conflicts (2 of 4 stars). 5 submissions from 5 submitters: Benign (2); Likely benign (3). Last evaluated 2026-01-31.

Conditions:
Autosomal recessive distal renal tubular acidosis. Identifiers: Orphanet 402041, MedGen C1864498, MONDO:0018440.

Allele frequency attached by ClinVar (database versions not stated): TOPMed 0.00546; ESP Exome Variant Server 0.00607; gnomAD 0.00681 and 0.00694; 1000 Genomes Project 30x 0.00828; 1000 Genomes Project 0.00879.
gnomAD v4.1: 11,446 of 1,614,096 alleles (0.71%); highest among the groups gnomAD compares: East Asian, 0.83%; 75 homozygotes.

Submissions (5):

Labcorp Genetics (formerly Invitae), Labcorp
Classification: Benign. Last evaluated: 2026-01-31. Review status: criteria provided, single submitter. Criteria: Invitae Variant Classification Sherloc (09022015). Collection method: clinical testing. Allele origin: germline.

Blueprint Genetics
Classification: Likely benign. Last evaluated: 2024-11-26. Review status: criteria provided, single submitter. Criteria: ACMG Guidelines, 2015. Collection method: clinical testing. Allele origin: germline.

GeneDx
Classification: Likely benign. Last evaluated: 2020-03-02. Review status: criteria provided, single submitter. Criteria: GeneDx Variant Classification Process June 2021. Collection method: clinical testing. Allele origin: germline. Affected: yes.

Illumina Laboratory Services, Illumina
Classification: Benign for Renal tubular acidosis, distal, 3, with or without sensorineural hearing loss. Last evaluated: 2018-01-13. Review status: criteria provided, single submitter. Criteria: ICSL Variant Classification Criteria 13 December 2019. Collection method: clinical testing. Allele origin: germline.
Comment: This variant was observed in the ICSL laboratory as part of a predisposition screen in an ostensibly healthy population. It had not been previously curated by ICSL or reported in the Human Gene Mutation Database (HGMD: prior to June 1st, 2018), and was therefore a candidate for classification through an automated scoring system. Utilizing variant allele frequency, disease prevalence and penetrance estimates, and inheritance mode, an automated score was calculated to assess if this variant is too frequent to cause the disease. Based on the score and internal cut-off values, a variant classified as benign is not then subjected to further curation. The score for this variant resulted in a classification of benign for this disease.

Breakthrough Genomics
Classification: Likely benign. Review status: criteria provided, single submitter. Criteria: ACMG Guidelines, 2015. Collection method: not provided. Allele origin: germline. Inheritance: Autosomal recessive inheritance. Affected: yes.